The following is an entry in ClinVar:

ClinVar aggregate classification (germline): Benign/Likely benign. Review status: criteria provided, multiple submitters, no conflicts (2 of 4 stars). 9 submissions from 9 submitters: Benign (7); Likely benign (2). Last evaluated 2026-01-28.

Conditions:
Autosomal recessive nonsyndromic hearing loss 8 (DFNB8). Also called: Deafness, autosomal recessive 10; NEUROSENSORY NONSYNDROMIC RECESSIVE DEAFNESS 8. Identifiers: Orphanet 90636, MedGen C1832827, MONDO:0010987, OMIM 601072.

Allele frequency attached by ClinVar (database versions not stated): ESP Exome Variant Server 0.02314; 1000 Genomes Project 0.02057; gnomAD 0.02011 and 0.02161; 1000 Genomes Project 30x 0.02124; TOPMed 0.02237.
gnomAD v4.1: 6,256 of 1,614,210 alleles (0.39%); highest among the groups gnomAD compares: African/African-American, 6.8%; 195 homozygotes.

Submissions (9):

Labcorp Genetics (formerly Invitae), Labcorp
Classification: Benign. Last evaluated: 2026-01-28. Review status: criteria provided, single submitter. Criteria: Invitae Variant Classification Sherloc (09022015). Collection method: clinical testing. Allele origin: germline.

Mayo Clinic Laboratories, Mayo Clinic
Classification: Benign. Last evaluated: 2022-07-10. Review status: criteria provided, single submitter. Criteria: ACMG Guidelines, 2015. Collection method: clinical testing. Allele origin: germline. Observed: 4 variant alleles.

ARUP Laboratories, Molecular Genetics and Genomics, ARUP Laboratories
Classification: Benign for Autosomal recessive nonsyndromic hearing loss 8. Last evaluated: 2020-02-14. Review status: criteria provided, single submitter. Criteria: ARUP Molecular Germline Variant Investigation Process. Collection method: clinical testing. Allele origin: germline.

Athena Diagnostics
Classification: Benign. Last evaluated: 2018-05-24. Review status: criteria provided, single submitter. Criteria: Athena Diagnostics Criteria. Collection method: clinical testing. Allele origin: germline.

Illumina Laboratory Services, Illumina
Classification: Likely benign for Autosomal recessive nonsyndromic hearing loss 8. Last evaluated: 2018-01-13. Review status: criteria provided, single submitter. Criteria: ICSL Variant Classification Criteria 13 December 2019. Collection method: clinical testing. Allele origin: germline.
Comment: This variant was observed in the ICSL laboratory as part of a predisposition screen in an ostensibly healthy population. It had not been previously curated by ICSL or reported in the Human Gene Mutation Database (HGMD: prior to June 1st, 2018), and was therefore a candidate for classification through an automated scoring system. Utilizing variant allele frequency, disease prevalence and penetrance estimates, and inheritance mode, an automated score was calculated to assess if this variant is too frequent to cause the disease. Based on the score and internal cut-off values, a variant classified as likely benign is not then subjected to further curation. The score for this variant resulted in a classification of likely benign for this disease.

GeneDx
Classification: Benign. Last evaluated: 2017-12-08. Review status: criteria provided, single submitter. Criteria: GeneDx Variant Classification (06012015). Collection method: clinical testing. Allele origin: germline. Affected: yes.
Comment: This variant is considered likely benign or benign based on one or more of the following criteria: it is a conservative change, it occurs at a poorly conserved position in the protein, it is predicted to be benign by multiple in silico algorithms, and/or has population frequency not consistent with disease.

Laboratory for Molecular Medicine, Mass General Brigham Personalized Medicine
Classification: Benign. Last evaluated: 2010-12-21. Review status: criteria provided, single submitter. Criteria: LMM Criteria. Collection method: clinical testing. Allele origin: germline. Observed: 32 variant alleles.
Comment: Gln144Gln in exon 5 of TMPRSS3: This variant is not expected to have clinical s ignificance because it does not alter an amino acid residue is not located near a splice junction, is listed in dbSNP (rs61731564, 3 control submissions) and ha s been found in 10% of Black and/or Hispanic cases in our laboratory.

Breakthrough Genomics
Classification: Likely benign. Review status: criteria provided, single submitter. Criteria: ACMG Guidelines, 2015. Collection method: not provided. Allele origin: germline. Inheritance: Autosomal recessive inheritance. Affected: yes.

PreventionGenetics, part of Exact Sciences
Classification: Benign. Review status: criteria provided, single submitter. Criteria: ACMG Guidelines, 2015. Collection method: clinical testing. Allele origin: germline.

NM_001256317.3(TMPRSS3):c.432A>G (p.Gln144=)

Gene: TMPRSS3 (transmembrane serine protease 3; minus strand). Cytogenetic location: 21q22.3.
Variant type: single nucleotide variant.
Coding change: c.432A>G on transcript NM_001256317.3 (MANE Select); coding-DNA position 432, A replaced by G.
Protein change: p.Gln144=; no amino-acid change (glutamine 144 retained).
Molecular consequence: synonymous variant.
Genome position (GRCh38, 1-based): chr21:42,388,417, T>C on the plus strand (A>G on the coding strand, the complement: TMPRSS3 is on the minus strand). VCF-style: chr21-42388417-T-C. GRCh37 (hg19) VCF-style: chr21-43808526-T-C.
Other names: p.Gln144=; c.432A>G, p.Gln144= (NM_024022.4, NM_032405.2); c.51A>G, p.Gln17= (NM_032404.3); c.432A>G (NM_024022.3).
Identifiers: ClinVar variation 46120 (VCV000046120.30), dbSNP rs61731564, ClinGen allele CA137716.
Genomic context (GRCh38, chr21:42,388,417, plus strand): 5'-TCCTCTCTGTGTTTTGCCCATGGGTTGGAAATGCTCTTTAACTTACCTTGGGAAACCCAG[T>C]TGGGCACAGGCAACATTTGCGTAGTGACCCTTCCAGTCATCGGAGCACATGGTCTTCCAC-3'
Protein context (NP_001243246.1, residues 134-154): KGHYANVACA[Gln144=]LGFPSYVSSD